The following is an entry in ClinVar:

NM_005359.6(SMAD4):c.1229A>G (p.Gln410Arg)

Gene: SMAD4 (SMAD family member 4; plus strand). Cytogenetic location: 18q21.2.
Variant type: single nucleotide variant.
Coding change: c.1229A>G on transcript NM_005359.6 (MANE Select); coding-DNA position 1229, A replaced by G.
Protein change: p.Gln410Arg; replaces glutamine 410 with arginine.
Molecular consequence: missense variant. On other transcripts: non-coding transcript variant (1).
Genome position (GRCh38, 1-based): chr18:51,067,108, A>G. VCF-style: chr18-51067108-A-G. GRCh37 (hg19) VCF-style: chr18-48593478-A-G.
Other names: c.1229A>G, p.Gln410Arg (NM_001407041.1, NM_001407042.1); short protein forms Q410R.
Identifiers: ClinVar variation 4768148 (VCV004768148.1).

ClinVar aggregate classification (germline): Uncertain significance (1 of 4 stars; one submission).

Conditions:
Juvenile polyposis syndrome (JPS). Identifiers: Orphanet 2929, MedGen C0345893, MONDO:0017380, OMIM 174900.

Submission:

Labcorp Genetics (formerly Invitae), Labcorp
Classification: Uncertain significance for Juvenile polyposis syndrome. Last evaluated: 2025-12-30. Review status: criteria provided, single submitter. Criteria: Invitae Variant Classification Sherloc (09022015). Collection method: clinical testing. Allele origin: germline.
Comment: This sequence change replaces glutamine, which is neutral and polar, with arginine, which is basic and polar, at codon 410 of the SMAD4 protein (p.Gln410Arg). This variant is not present in population databases (gnomAD no frequency). This variant has not been reported in the literature in individuals affected with SMAD4-related conditions. Invitae Evidence Modeling of protein sequence and biophysical properties (such as structural, functional, and spatial information, amino acid conservation, physicochemical variation, residue mobility, and thermodynamic stability) has been performed for this missense variant. However, the output from this modeling did not meet the statistical confidence thresholds required to predict the impact of this variant on SMAD4 protein function. In summary, the available evidence is currently insufficient to determine the role of this variant in disease. Therefore, it has been classified as a Variant of Uncertain Significance.